The following is an entry in ClinVar:

ClinVar aggregate classification (germline): Uncertain significance (1 of 4 stars; one submission).

Conditions:
Pigmentary pallidal degeneration (NBIA1). Also called: Pantothenate Kinase-Associated Neurodegeneration; Neuroaxonal dystrophy, late infantile; Hallervorden-Spatz disease; Neurodegeneration with brain iron accumulation 1; HARP SYNDROME; PKAN NEUROAXONAL DYSTROPHY, JUVENILE-ONSET. Identifiers: Orphanet 157850, MedGen C0018523, MONDO:0009319, OMIM 234200.

Allele frequency attached by ClinVar (database versions not stated): gnomAD exomes below 0.00001.

Submission:

Labcorp Genetics (formerly Invitae), Labcorp
Classification: Uncertain significance for Pigmentary pallidal degeneration. Last evaluated: 2021-07-12. Review status: criteria provided, single submitter. Criteria: Invitae Variant Classification Sherloc (09022015). Collection method: clinical testing. Allele origin: germline.
Comment: This sequence change creates a premature translational stop signal (p.Arg44Valfs*161) in the PANK2 gene. However, it is currently unclear if variants that occur in this region of the gene cause disease. This variant is not present in population databases (ExAC no frequency). This variant has not been reported in the literature in individuals affected with PANK2-related conditions. In summary, the available evidence is currently insufficient to determine the role of this variant in disease. Therefore, it has been classified as a Variant of Uncertain Significance.

NM_153638.4(PANK2):c.126del (p.Arg44fs)

Gene: PANK2 (pantothenate kinase 2; plus strand). Cytogenetic location: 20p13.
Variant type: Deletion.
Coding change: c.126del on transcript NM_153638.4; coding-DNA position 126, one base deleted (G; older notation c.126delG).
Protein change: p.Arg44fs; shifts the reading frame from arginine 44.
Molecular consequence: frameshift variant. On other transcripts: intron variant (1).
Genome position (GRCh38, 1-based): chr20:3,889,226, G deleted. VCF-style (leftmost placement, unchanged base first): chr20-3889225-CG-C. GRCh37 (hg19) VCF-style: chr20-3869872-CG-C.
Other names: c.126del, p.Arg44fs (NM_001324192.1); c.-246+322del (NM_024960.6); short protein forms R44fs.
Identifiers: ClinVar variation 642965 (VCV000642965.9), dbSNP rs1600474748, ClinGen allele CA915952645.